The following is an entry in ClinVar:

ClinVar aggregate classification (germline): Conflicting classifications of pathogenicity. Review status: criteria provided, conflicting classifications (1 of 4 stars). 4 submissions from 4 submitters: Uncertain significance (2); Likely benign (2). Last evaluated 2024-07-03.

Conditions:
Myofibrillar myopathy 5. Also called: Filaminopathy (type); FILAMINOPATHY, AUTOSOMAL DOMINANT. Identifiers: Orphanet 171445, MedGen C1836050, MONDO:0012289, OMIM 609524.
Dilated Cardiomyopathy, Dominant.
Hypertrophic cardiomyopathy 26. Also called: Cardiomyopathy, familial hypertrophic, 26. Identifiers: Orphanet 75249, MedGen C4310749, MONDO:0014883, OMIM 617047.
Distal myopathy with posterior leg and anterior hand involvement. Also called: WILLIAMS DISTAL MYOPATHY. Identifiers: Orphanet 63273, MedGen C3279722, MONDO:0013550, OMIM 614065.
Cardiomyopathy (CMYO). Also called: Cardiomyopathies. Identifiers: Orphanet 167848, MedGen C0878544, MONDO:0004994, HP:0001638. Inheritance: Various modes of inheritance.

Allele frequency attached by ClinVar (database versions not stated): gnomAD 0.00001; gnomAD exomes 0.00002 and 0.00003; TOPMed 0.00002; ExAC 0.00003; ESP Exome Variant Server 0.00008.
gnomAD v4.1: 28 of 1,607,254 alleles (0.0017%); highest among the groups gnomAD compares: Non-Finnish European, 0.0023%; no homozygotes.

Submissions (4):

Blueprint Genetics
Classification: Likely benign. Last evaluated: 2024-07-03. Review status: criteria provided, single submitter. Criteria: ACMG Guidelines, 2015. Collection method: clinical testing. Allele origin: germline.

Labcorp Genetics (formerly Invitae), Labcorp
Classification: Uncertain significance for Distal myopathy with posterior leg and anterior hand involvement; Myofibrillar myopathy 5; Hypertrophic cardiomyopathy 26. Last evaluated: 2024-01-21. Review status: criteria provided, single submitter. Criteria: Invitae Variant Classification Sherloc (09022015). Collection method: clinical testing. Allele origin: germline.
Comment: This sequence change falls in intron 13 of the FLNC gene. It does not directly change the encoded amino acid sequence of the FLNC protein. It affects a nucleotide within the consensus splice site. This variant is present in population databases (rs372098008, gnomAD 0.006%). This variant has not been reported in the literature in individuals affected with FLNC-related conditions. ClinVar contains an entry for this variant (Variation ID: 580395). Variants that disrupt the consensus splice site are a relatively common cause of aberrant splicing (PMID: 17576681, 9536098). Algorithms developed to predict the effect of sequence changes on RNA splicing suggest that this variant is not likely to affect RNA splicing. In summary, the available evidence is currently insufficient to determine the role of this variant in disease. Therefore, it has been classified as a Variant of Uncertain Significance.

CHEO Genetics Diagnostic Laboratory, Children's Hospital of Eastern Ontario
Classification: Uncertain significance for Cardiomyopathy. Last evaluated: 2022-10-05. Review status: criteria provided, single submitter. Criteria: ACMG Guidelines, 2015. Collection method: clinical testing. Allele origin: germline.

GeneDx
Classification: Likely benign. Last evaluated: 2020-07-10. Review status: criteria provided, single submitter. Criteria: GeneDx Variant Classification Process June 2021. Collection method: clinical testing. Allele origin: germline. Affected: yes.

Literature cited by the submitters: PubMed 17576681 (cited by Labcorp Genetics (formerly Invitae), Labcorp); PubMed 9536098 (cited by Labcorp Genetics (formerly Invitae), Labcorp).

NM_001458.5(FLNC):c.2121+4G>A

Gene: FLNC (filamin C; plus strand). Cytogenetic location: 7q32.1.
Variant type: single nucleotide variant.
Coding change: c.2121+4G>A on transcript NM_001458.5 (MANE Select); 4 bases into the intron after coding-DNA position 2121, G replaced by A.
Molecular consequence: intron variant.
Genome position (GRCh38, 1-based): chr7:128,841,571, G>A. VCF-style: chr7-128841571-G-A. GRCh37 (hg19) VCF-style: chr7-128481625-G-A.
Other names: c.2121+4G>A (NM_001127487.2).
Identifiers: ClinVar variation 580395 (VCV000580395.15), dbSNP rs372098008, ClinGen allele CA4474590.